The following is an entry in ClinVar:

NM_017433.5(MYO3A):c.1725C>G (p.Ser575=)

Gene: MYO3A (myosin IIIA; plus strand). Cytogenetic location: 10p12.1.
Variant type: single nucleotide variant.
Coding change: c.1725C>G on transcript NM_017433.5 (MANE Select); coding-DNA position 1725, C replaced by G.
Protein change: p.Ser575=; no amino-acid change (serine 575 retained).
Molecular consequence: synonymous variant.
Genome position (GRCh38, 1-based): chr10:26,096,631, C>G. VCF-style: chr10-26096631-C-G. GRCh37 (hg19) VCF-style: chr10-26385560-C-G.
Identifiers: ClinVar variation 180105 (VCV000180105.13), dbSNP rs201882363, ClinGen allele CA185829.

ClinVar aggregate classification (germline): Likely benign. Review status: criteria provided, multiple submitters, no conflicts (2 of 4 stars). 2 submissions from 2 submitters: Likely benign (2). Last evaluated 2024-12-18.

Allele frequency attached by ClinVar (database versions not stated): 1000 Genomes Project 30x 0.00031; gnomAD 0.00004; TOPMed 0.00005; 1000 Genomes Project 0.00020.
gnomAD v4.1: 46 of 1,606,974 alleles (0.0029%); highest among the groups gnomAD compares: Non-Finnish European, 0.0038%; no homozygotes.

Submissions (2):

Labcorp Genetics (formerly Invitae), Labcorp
Classification: Likely benign. Last evaluated: 2024-12-18. Review status: criteria provided, single submitter. Criteria: Invitae Variant Classification Sherloc (09022015). Collection method: clinical testing. Allele origin: germline.

Laboratory for Molecular Medicine, Mass General Brigham Personalized Medicine
Classification: Likely benign. Last evaluated: 2014-11-28. Review status: criteria provided, single submitter. Criteria: LMM Criteria. Collection method: clinical testing. Allele origin: germline. Observed: 1 variant allele.
Comment: p.Ser575Ser in exon 17 of MYO3A: This variant is not expected to have clinical s ignificance because it does not alter an amino acid residue and is not located w ithin the splice consensus sequence. It has been identified in 1/170 of North Eu ropean American chromosomes by the 1000 Genomes Project (rs201882363).